The following is an entry in ClinVar:

ClinVar aggregate classification (germline): Uncertain significance (1 of 4 stars; one submission).

Allele frequency attached by ClinVar (database versions not stated): gnomAD exomes below 0.00001.
gnomAD v4.1: 5 of 1,584,368 alleles (0.00032%); highest among the groups gnomAD compares: Non-Finnish European, 0.00043%; no homozygotes.

Submission:

Ambry Genetics
Classification: Uncertain significance. Last evaluated: 2024-08-12. Review status: criteria provided, single submitter. Criteria: Ambry Variant Classification Scheme 2023. Collection method: clinical testing. Allele origin: germline.
Comment: The p.L631V variant (also known as c.1891T>G), located in coding exon 13 of the RINT1 gene, results from a T to G substitution at nucleotide position 1891. The leucine at codon 631 is replaced by valine, an amino acid with highly similar properties. This amino acid position is conserved. In addition, this alteration is predicted to be tolerated by in silico analysis. Since supporting evidence is limited at this time, the clinical significance of this alteration remains unclear.

NM_021930.6(RINT1):c.1891T>G (p.Leu631Val)

Genes: EFCAB10 (EF-hand calcium binding domain 10; minus strand), RINT1 (RAD50 interactor 1; plus strand). Cytogenetic location: 7q22.3.
Variant type: single nucleotide variant.
Coding change: c.1891T>G on transcript NM_021930.6 (MANE Select); coding-DNA position 1891, T replaced by G.
Protein change: p.Leu631Val; replaces leucine 631 with valine.
Molecular consequence: missense variant. On other transcripts: 3 prime UTR variant (3), non-coding transcript variant (1).
Genome position (GRCh38, 1-based): chr7:105,565,281, T>G. VCF-style: chr7-105565281-T-G. GRCh37 (hg19) VCF-style: chr7-105205728-T-G.
Other names: c.*166A>C (NM_001355526.2); c.*268A>C (NM_001355530.2); c.*121A>C (NM_001355531.2); c.1657T>G, p.Leu553Val (NM_001346599.2); c.868T>G, p.Leu290Val (NM_001346600.2, NM_001346603.2); c.967T>G, p.Leu323Val (NM_001346601.2); short protein forms L290V, L323V, L553V, L631V.
Identifiers: ClinVar variation 1782086 (VCV001782086.3), dbSNP rs763828038, ClinGen allele CA164067670.